The following is an entry in ClinVar:

NM_004385.5(VCAN):c.3563C>T (p.Pro1188Leu)

Gene: VCAN (versican; plus strand). Cytogenetic location: 5q14.3.
Variant type: single nucleotide variant.
Coding change: c.3563C>T on transcript NM_004385.5 (MANE Select); coding-DNA position 3563, C replaced by T.
Protein change: p.Pro1188Leu; replaces proline 1188 with leucine.
Molecular consequence: missense variant. On other transcripts: intron variant (2).
Genome position (GRCh38, 1-based): chr5:83,521,869, C>T. VCF-style: chr5-83521869-C-T. GRCh37 (hg19) VCF-style: chr5-82817688-C-T.
Other names: c.3563C>T, p.Pro1188Leu (NM_001164098.2); c.1042+9473C>T (NM_001164097.2, NM_001126336.3); short protein forms P1188L.
Identifiers: ClinVar variation 1037698 (VCV001037698.8), dbSNP rs893124905, ClinGen allele CA121793847.

ClinVar aggregate classification (germline): Uncertain significance (1 of 4 stars; one submission).

Allele frequency attached by ClinVar (database versions not stated): gnomAD exomes below 0.00001; TOPMed below 0.00001.
gnomAD v4.1: 6 of 1,614,116 alleles (0.00037%); highest among the groups gnomAD compares: Non-Finnish European, 0.00051%; no homozygotes.

Submission:

Labcorp Genetics (formerly Invitae), Labcorp
Classification: Uncertain significance. Last evaluated: 2023-03-10. Review status: criteria provided, single submitter. Criteria: Invitae Variant Classification Sherloc (09022015). Collection method: clinical testing. Allele origin: germline.
Comment: This sequence change replaces proline, which is neutral and non-polar, with leucine, which is neutral and non-polar, at codon 1188 of the VCAN protein (p.Pro1188Leu). This variant is not present in population databases (gnomAD no frequency). This variant has not been reported in the literature in individuals affected with VCAN-related conditions. ClinVar contains an entry for this variant (Variation ID: 1037698). An algorithm developed to predict the effect of missense changes on protein structure and function (PolyPhen-2) suggests that this variant is likely to be tolerated. In summary, the available evidence is currently insufficient to determine the role of this variant in disease. Therefore, it has been classified as a Variant of Uncertain Significance.